The following is an entry in ClinVar:

ClinVar aggregate classification (germline): Uncertain significance (1 of 4 stars; one submission).

Submission:

Ambry Genetics
Classification: Uncertain significance. Last evaluated: 2025-11-04. Review status: criteria provided, single submitter. Criteria: Ambry Variant Classification Scheme 2023. Collection method: clinical testing. Allele origin: germline.
Comment: The p.R75S variant (also known as c.223C>A), located in coding exon 2 of the RASA2 gene, results from a C to A substitution at nucleotide position 223. The arginine at codon 75 is replaced by serine, an amino acid with dissimilar properties. This amino acid position is conserved. In addition, this alteration is predicted to be deleterious by in silico analysis. Based on the available evidence, the clinical significance of this variant remains unclear.

NM_006506.5(RASA2):c.223C>A (p.Arg75Ser)

Gene: RASA2 (RAS p21 protein activator 2; plus strand). Cytogenetic location: 3q23.
Variant type: single nucleotide variant.
Coding change: c.223C>A on transcript NM_006506.5 (MANE Select); coding-DNA position 223, C replaced by A.
Protein change: p.Arg75Ser; replaces arginine 75 with serine.
Molecular consequence: missense variant.
Genome position (GRCh38, 1-based): chr3:141,512,252, C>A. VCF-style: chr3-141512252-C-A. GRCh37 (hg19) VCF-style: chr3-141231094-C-A.
Other names: c.223C>A, p.Arg75Ser (NM_001303245.3, NM_001303246.3); short protein forms R75S.
Identifiers: ClinVar variation 4575855 (VCV004575855.1).